The following is an entry in ClinVar:

NM_015346.4(ZFYVE26):c.2594G>C (p.Gly865Ala)

Gene: ZFYVE26 (zinc finger FYVE-type containing 26; minus strand). Cytogenetic location: 14q24.1.
Variant type: single nucleotide variant.
Coding change: c.2594G>C on transcript NM_015346.4 (MANE Select); coding-DNA position 2594, G replaced by C.
Protein change: p.Gly865Ala; replaces glycine 865 with alanine.
Molecular consequence: missense variant.
Genome position (GRCh38, 1-based): chr14:67,790,733, C>G on the plus strand (G>C on the coding strand, the complement: ZFYVE26 is on the minus strand). VCF-style: chr14-67790733-C-G. GRCh37 (hg19) VCF-style: chr14-68257450-C-G.
Other names: short protein forms G865A.
Identifiers: ClinVar variation 965032 (VCV000965032.9), dbSNP rs181520084, ClinGen allele CA7240215.
Genomic context (GRCh38, chr14:67,790,733, plus strand): 5'-TGCTCTACTTGGGCCAGTTCTTGGATCACTTCCTGGTAGCGCTCCATGAACATCAGTTCC[C>G]CTGAACTGGGTGAGGACTTCAGGTTGAACGTGAACAGCACCTGTCATAGGAGAGGGAGTG-3'
Protein context (NP_056161.2, residues 855-875): TFNLKSSPSS[Gly865Ala]ELMFMERYQE

ClinVar aggregate classification (germline): Uncertain significance (1 of 4 stars; one submission).

Conditions:
Spastic paraplegia. Identifiers: MedGen C0037772, HP:0001258.

Allele frequency attached by ClinVar (database versions not stated): ExAC 0.00001; gnomAD 0.00001; gnomAD exomes 0.00001; 1000 Genomes Project 0.00020; 1000 Genomes Project 30x 0.00031.
gnomAD v4.1: 10 of 1,614,124 alleles (0.00062%); highest among the groups gnomAD compares: Non-Finnish European, 0.00085%; no homozygotes.

Submission:

Labcorp Genetics (formerly Invitae), Labcorp
Classification: Uncertain significance for Spastic paraplegia. Last evaluated: 2025-10-02. Review status: criteria provided, single submitter. Criteria: Invitae Variant Classification Sherloc (09022015). Collection method: clinical testing. Allele origin: germline.
Comment: This sequence change replaces glycine, which is neutral and non-polar, with alanine, which is neutral and non-polar, at codon 865 of the ZFYVE26 protein (p.Gly865Ala). This variant is present in population databases (rs181520084, gnomAD 0.002%). This variant has not been reported in the literature in individuals affected with ZFYVE26-related conditions. ClinVar contains an entry for this variant (Variation ID: 965032). An algorithm developed to predict the effect of missense changes on protein structure and function (PolyPhen-2) suggests that this variant is likely to be disruptive. In summary, the available evidence is currently insufficient to determine the role of this variant in disease. Therefore, it has been classified as a Variant of Uncertain Significance.